The following is an entry in ClinVar:

NM_000093.5(COL5A1):c.5067+5G>A

Genes: COL5A1 (collagen type V alpha 1 chain; plus strand), LOC101448202 (uncharacterized LOC101448202; minus strand). Cytogenetic location: 9q34.3.
Variant type: single nucleotide variant.
Coding change: c.5067+5G>A on transcript NM_000093.5 (MANE Select); 5 bases into the intron after coding-DNA position 5067, G replaced by A.
Molecular consequence: intron variant.
Genome position (GRCh38, 1-based): chr9:134,825,909, G>A. VCF-style: chr9-134825909-G-A. GRCh37 (hg19) VCF-style: chr9-137717755-G-A.
Other names: c.5067+5G>A (NM_001278074.1).
Identifiers: ClinVar variation 2756244 (VCV002756244.3), dbSNP rs2490886943, ClinGen allele CA2692448047.

ClinVar aggregate classification (germline): Uncertain significance (1 of 4 stars; one submission).

Conditions:
Ehlers-Danlos syndrome, classic type, 1 (EDSCL1). Also called: EHLERS-DANLOS SYNDROME, GRAVIS TYPE; EHLERS-DANLOS SYNDROME, SEVERE CLASSIC TYPE; Ehlers-Danlos syndrome, type 1; Ehlers-Danlos Syndrome, Classic Type, COL5A1-Related; EDS I. Identifiers: MedGen C0268335, MONDO:0019567, OMIM 130000.

Submission:

Labcorp Genetics (formerly Invitae), Labcorp
Classification: Uncertain significance for Ehlers-Danlos syndrome, classic type, 1. Last evaluated: 2024-10-24. Review status: criteria provided, single submitter. Criteria: Invitae Variant Classification Sherloc (09022015). Collection method: clinical testing. Allele origin: germline.
Comment: This sequence change falls in intron 63 of the COL5A1 gene. It does not directly change the encoded amino acid sequence of the COL5A1 protein. It affects a nucleotide within the consensus splice site. This variant is not present in population databases (gnomAD no frequency). This variant has not been reported in the literature in individuals affected with COL5A1-related conditions. Variants that disrupt the consensus splice site are a relatively common cause of aberrant splicing (PMID: 17576681, 9536098). Algorithms developed to predict the effect of sequence changes on RNA splicing suggest that this variant may disrupt the consensus splice site. In summary, the available evidence is currently insufficient to determine the role of this variant in disease. Therefore, it has been classified as a Variant of Uncertain Significance.

Literature cited by the submitters: PubMed 17576681; PubMed 9536098.